The following is an entry in ClinVar:

NM_001374353.1(GLI2):c.4526C>T (p.Ser1509Leu)

Gene: GLI2 (GLI family zinc finger 2; plus strand). Cytogenetic location: 2q14.2.
Variant type: single nucleotide variant.
Coding change: c.4526C>T on transcript NM_001374353.1 (MANE Select); coding-DNA position 4526, C replaced by T.
Protein change: p.Ser1509Leu; replaces serine 1509 with leucine.
Molecular consequence: missense variant.
Genome position (GRCh38, 1-based): chr2:120,990,491, C>T. VCF-style: chr2-120990491-C-T. GRCh37 (hg19) VCF-style: chr2-121748067-C-T.
Other names: c.4577C>T, p.Ser1526Leu (NM_001371271.1, NM_005270.5); c.4151C>T, p.Ser1384Leu (NM_001374354.1); short protein forms S1384L, S1509L, S1526L.
Identifiers: ClinVar variation 2936285 (VCV002936285.3), dbSNP rs781561335, ClinGen allele CA1852660.

ClinVar aggregate classification (germline): Uncertain significance (1 of 4 stars; one submission).

Conditions:
Holoprosencephaly 9 (HPE9). Also called: PITUITARY ANOMALIES WITH HOLOPROSENCEPHALY-LIKE FEATURES; HOLOPROSENCEPHALY WITH MICROPHTHALMIA AND FIRST BRANCHIAL ARCH ANOMALIES. Identifiers: Orphanet 2162, MedGen C1835819, MONDO:0012563, OMIM 610829.
Postaxial polydactyly-anterior pituitary anomalies-facial dysmorphism syndrome. Also called: Culler-Jones syndrome. Identifiers: Orphanet 420584, MedGen C4014479, MONDO:0014369, OMIM 615849.

Allele frequency attached by ClinVar (database versions not stated): gnomAD 0.00001; ExAC 0.00006.
gnomAD v4.1: 33 of 1,613,810 alleles (0.002%); highest among the groups gnomAD compares: Admixed American, 0.023%; no homozygotes.

Submission:

Labcorp Genetics (formerly Invitae), Labcorp
Classification: Uncertain significance for Postaxial polydactyly-anterior pituitary anomalies-facial dysmorphism syndrome; Holoprosencephaly 9. Last evaluated: 2023-02-27. Review status: criteria provided, single submitter. Criteria: Invitae Variant Classification Sherloc (09022015). Collection method: clinical testing. Allele origin: germline.
Comment: Advanced modeling of protein sequence and biophysical properties (such as structural, functional, and spatial information, amino acid conservation, physicochemical variation, residue mobility, and thermodynamic stability) performed at Invitae indicates that this missense variant is expected to disrupt GLI2 protein function. In summary, the available evidence is currently insufficient to determine the role of this variant in disease. Therefore, it has been classified as a Variant of Uncertain Significance. This variant has not been reported in the literature in individuals affected with GLI2-related conditions. This variant is present in population databases (rs781561335, gnomAD 0.04%), and has an allele count higher than expected for a pathogenic variant. This sequence change replaces serine, which is neutral and polar, with leucine, which is neutral and non-polar, at codon 1526 of the GLI2 protein (p.Ser1526Leu).